The following is an entry in ClinVar:

ClinVar aggregate classification (germline): Benign/Likely benign. Review status: criteria provided, multiple submitters, no conflicts (2 of 4 stars). 6 submissions from 6 submitters: Benign (5); Likely benign (1). Last evaluated 2026-01-26.

Conditions:
Cardiofaciocutaneous syndrome 4 (CFC4). Also called: MAP2K2-Related Cardiofaciocutaneous Syndrome. Identifiers: Orphanet 1340, MedGen C3809007, MONDO:0014114, OMIM 615280.
RASopathy. Also called: Noonan spectrum disorder; rasopathies. Identifiers: Orphanet 536391, MedGen C5555857, MONDO:0021060.

Allele frequency attached by ClinVar (database versions not stated): gnomAD exomes 0.00024 and 0.00053; ExAC 0.00072; 1000 Genomes Project 30x 0.00094; 1000 Genomes Project 0.00120; gnomAD 0.00165 and 0.00179; TOPMed 0.00189; ESP Exome Variant Server 0.00200.
gnomAD v4.1: 572 of 1,509,652 alleles (0.038%); highest among the groups gnomAD compares: African/African-American, 0.65%; 2 homozygotes.

Submissions (6):

Labcorp Genetics (formerly Invitae), Labcorp
Classification: Benign for RASopathy. Last evaluated: 2026-01-26. Review status: criteria provided, single submitter. Criteria: Invitae Variant Classification Sherloc (09022015). Collection method: clinical testing. Allele origin: germline.

ARUP Laboratories, Molecular Genetics and Genomics, ARUP Laboratories
Classification: Benign for Cardiofaciocutaneous syndrome 4. Last evaluated: 2025-06-02. Review status: criteria provided, single submitter. Criteria: ARUP Molecular Germline Variant Investigation Process 2024. Collection method: clinical testing. Allele origin: germline.

Blueprint Genetics
Classification: Likely benign. Last evaluated: 2024-09-06. Review status: criteria provided, single submitter. Criteria: ACMG Guidelines, 2015. Collection method: clinical testing. Allele origin: germline.

Women's Health and Genetics/Laboratory Corporation of America, LabCorp
Classification: Benign. Last evaluated: 2019-11-25. Review status: criteria provided, single submitter. Criteria: LabCorp Variant Classification Summary - May 2015. Collection method: clinical testing. Allele origin: germline.
Comment: Variant summary: MAP2K2 c.303+11C>T alters a non-conserved nucleotide located close to a canonical splice site and therefore could affect mRNA splicing, leading to a significantly altered protein sequence. 5/5 computational tools predict no significant impact on normal splicing. However, these predictions have yet to be confirmed by functional studies. The variant allele was found at a frequency of 0.00053 in 249160 control chromosomes, predominantly at a frequency of 0.0062 within the African or African-American subpopulation in the gnomAD database, including 1 homozygotes. The observed variant frequency within African or African-American control individuals in the gnomAD database is approximately 2480 fold of the estimated maximal expected allele frequency for a pathogenic variant in MAP2K2 causing Noonan Syndrome and Related Conditions phenotype (2.5e-06), strongly suggesting that the variant is a benign polymorphism found primarily in populations of African or African-American origin. To our knowledge, no occurrence of c.303+11C>T in individuals affected with Noonan Syndrome and Related Conditions and no experimental evidence demonstrating its impact on protein function have been reported. No clinical diagnostic laboratories have submitted clinical-significance assessments for this variant to ClinVar after 2014. Based on the evidence outlined above, the variant was classified as benign.

GeneDx
Classification: Benign. Last evaluated: 2014-03-24. Review status: criteria provided, single submitter. Criteria: GeneDx Variant Classification (06012015). Collection method: clinical testing. Allele origin: germline. Affected: yes.
Comment: This variant is considered likely benign or benign based on one or more of the following criteria: it is a conservative change, it occurs at a poorly conserved position in the protein, it is predicted to be benign by multiple in silico algorithms, and/or has population frequency not consistent with disease.

Laboratory for Molecular Medicine, Mass General Brigham Personalized Medicine
Classification: Benign. Last evaluated: 2012-03-19. Review status: criteria provided, single submitter. Criteria: LMM Criteria. Collection method: clinical testing. Allele origin: germline. Observed: 1 variant allele.
Comment: c.303+11C>T in Intron 02 of MEK2: This variant is not expected to have clinical significance because it is not located within the splice consensus sequence and has been identified in 0.6% (21/3738) of African American chromosomes from a bro ad population by the NHLBI Exome Sequencing Project (u/EVS; dbSNP rs143701766).

NM_030662.4(MAP2K2):c.303+11C>T

Gene: MAP2K2 (mitogen-activated protein kinase kinase 2; minus strand). Cytogenetic location: 19p13.3.
Variant type: single nucleotide variant.
Coding change: c.303+11C>T on transcript NM_030662.4 (MANE Select); 11 bases into the intron after coding-DNA position 303, C replaced by T.
Molecular consequence: intron variant.
Genome position (GRCh38, 1-based): chr19:4,117,408, G>A on the plus strand (C>T on the coding strand, the complement: MAP2K2 is on the minus strand). VCF-style: chr19-4117408-G-A. GRCh37 (hg19) VCF-style: chr19-4117406-G-A.
Identifiers: ClinVar variation 138166 (VCV000138166.15), dbSNP rs200405512, ClinGen allele CA292006.